The following is an entry in ClinVar:

NM_024426.6(WT1):c.707C>T (p.Thr236Met)

Gene: WT1 (WT1 transcription factor; minus strand). Cytogenetic location: 11p13.
Variant type: single nucleotide variant.
Coding change: c.707C>T on transcript NM_024426.6 (MANE Select); coding-DNA position 707, C replaced by T.
Protein change: p.Thr236Met; replaces threonine 236 with methionine.
Molecular consequence: missense variant. On other transcripts: non-coding transcript variant (1).
Genome position (GRCh38, 1-based): chr11:32,428,574, G>A on the plus strand (C>T on the coding strand, the complement: WT1 is on the minus strand). VCF-style: chr11-32428574-G-A. GRCh37 (hg19) VCF-style: chr11-32450120-G-A.
Other names: c.707C>T, p.Thr236Met (NM_000378.6, NM_001407044.1, NM_001407045.1 and 4 more transcripts); c.56C>T, p.Thr19Met (NM_001198551.2, NM_001198552.2); c.-56C>T (NM_001407051.1); c.692C>T, p.Thr231Met (NM_024425.2); short protein forms T19M, T236M, T231M.
Identifiers: ClinVar variation 971017 (VCV000971017.12), dbSNP rs1372808262, ClinGen allele CA379963469.

ClinVar aggregate classification (germline): Uncertain significance. Review status: criteria provided, multiple submitters, no conflicts (2 of 4 stars). 2 submissions from 2 submitters: Uncertain significance (2). Last evaluated 2026-07-06.

Conditions:
Inborn genetic diseases. Identifiers: MedGen C0950123, MeSH D030342.
Drash syndrome (DDS). Also called: NEPHROPATHY, WILMS TUMOR, AND GENITAL ANOMALIES; WILMS TUMOR AND PSEUDO- OR TRUE HERMAPHRODITISM. Identifiers: Orphanet 220, MedGen C0950121, MONDO:0008682, OMIM 194080.
Frasier syndrome. Identifiers: Orphanet 347, MedGen C0950122, MeSH D052159, MONDO:0007635, OMIM 136680.
Wilms tumor 1 (WT1). Also called: Wilms tumor, somatic. Identifiers: Orphanet 654, MedGen CN033288, MONDO:0008679, OMIM 194070.
11p partial monosomy syndrome (WAGR). Also called: WAGR syndrome; WAGR Complex; WAGR Spectrum Disorder; CHROMOSOME 11p13 DELETION SYNDROME. Identifiers: Orphanet 893, MedGen C0206115, MONDO:0008681, OMIM 194072.

Allele frequency attached by ClinVar (database versions not stated): gnomAD exomes below 0.00001.
gnomAD v4.1: 5 of 1,613,988 alleles (0.00031%); highest among the groups gnomAD compares: East Asian, 0.0022%; no homozygotes.

Submissions (2):

Ambry Genetics
Classification: Uncertain significance for Inborn genetic diseases. Last evaluated: 2026-07-06. Review status: criteria provided, single submitter. Criteria: Ambry Variant Classification Scheme 2023. Collection method: clinical testing. Allele origin: germline.
Comment: The p.T231M variant (also known as c.692C>T), located in coding exon 2 of the WT1 gene, results from a C to T substitution at nucleotide position 692. The threonine at codon 231 is replaced by methionine, an amino acid with similar properties. This amino acid position is conserved. In addition, the in silico prediction for this alteration is inconclusive. Based on the available evidence, the clinical significance of this variant remains unclear.

Labcorp Genetics (formerly Invitae), Labcorp
Classification: Uncertain significance for Wilms tumor 1; Drash syndrome; 11p partial monosomy syndrome; Frasier syndrome. Last evaluated: 2022-02-25. Review status: criteria provided, single submitter. Criteria: Invitae Variant Classification Sherloc (09022015). Collection method: clinical testing. Allele origin: germline.
Comment: This variant has not been reported in the literature in individuals affected with WT1-related conditions. This variant is present in population databases (no rsID available, gnomAD 0.006%). This sequence change replaces threonine, which is neutral and polar, with methionine, which is neutral and non-polar, at codon 231 of the WT1 protein (p.Thr231Met). ClinVar contains an entry for this variant (Variation ID: 971017). In summary, the available evidence is currently insufficient to determine the role of this variant in disease. Therefore, it has been classified as a Variant of Uncertain Significance. Algorithms developed to predict the effect of missense changes on protein structure and function are either unavailable or do not agree on the potential impact of this missense change (SIFT: "Deleterious"; PolyPhen-2: "Possibly Damaging"; Align-GVGD: "Class C15").